The following is an entry in ClinVar:

ClinVar aggregate classification (germline): Likely pathogenic (1 of 4 stars; one submission).

Submission:

Labcorp Genetics (formerly Invitae), Labcorp
Classification: Likely pathogenic. Last evaluated: 2022-09-01. Review status: criteria provided, single submitter. Criteria: Invitae Variant Classification Sherloc (09022015). Collection method: clinical testing. Allele origin: germline.
Comment: ClinVar contains an entry for this variant (Variation ID: 1510071). In summary, the currently available evidence indicates that the variant is pathogenic, but additional data are needed to prove that conclusively. Therefore, this variant has been classified as Likely Pathogenic. This variant disrupts the p.Asp340 amino acid residue in KRT1. Other variant(s) that disrupt this residue have been determined to be pathogenic (PMID: 20500210). This suggests that this residue is clinically significant, and that variants that disrupt this residue are likely to be disease-causing. Algorithms developed to predict the effect of sequence changes on RNA splicing suggest that this variant may create or strengthen a splice site. Advanced modeling of protein sequence and biophysical properties (such as structural, functional, and spatial information, amino acid conservation, physicochemical variation, residue mobility, and thermodynamic stability) performed at Invitae indicates that this missense variant is expected to disrupt KRT1 protein function. This variant has not been reported in the literature in individuals affected with KRT1-related conditions. This variant is not present in population databases (gnomAD no frequency). This sequence change replaces aspartic acid, which is acidic and polar, with histidine, which is basic and polar, at codon 340 of the KRT1 protein (p.Asp340His).

Literature cited by the submitters: PubMed 20500210.

NM_006121.4(KRT1):c.1018G>C (p.Asp340His)

Gene: KRT1 (keratin 1; minus strand). Cytogenetic location: 12q13.13.
Variant type: single nucleotide variant.
Coding change: c.1018G>C on transcript NM_006121.4 (MANE Select); coding-DNA position 1018, G replaced by C.
Protein change: p.Asp340His; replaces aspartic acid 340 with histidine.
Molecular consequence: missense variant.
Genome position (GRCh38, 1-based): chr12:52,677,426, C>G on the plus strand (G>C on the coding strand, the complement: KRT1 is on the minus strand). VCF-style: chr12-52677426-C-G. GRCh37 (hg19) VCF-style: chr12-53071210-C-G.
Other names: short protein forms D340H.
Identifiers: ClinVar variation 1510071 (VCV001510071.8), dbSNP rs2121004044, ClinGen allele CA384967954.